The following is an entry in ClinVar:

NM_000304.4(PMP22):c.344C>T (p.Ala115Val)

Gene: PMP22 (peripheral myelin protein 22; minus strand). Cytogenetic location: 17p12.
Variant type: single nucleotide variant.
Coding change: c.344C>T on transcript NM_000304.4 (MANE Select); coding-DNA position 344, C replaced by T.
Protein change: p.Ala115Val; replaces alanine 115 with valine.
Molecular consequence: missense variant. On other transcripts: non-coding transcript variant (2).
Genome position (GRCh38, 1-based): chr17:15,231,056, G>A on the plus strand (C>T on the coding strand, the complement: PMP22 is on the minus strand). VCF-style: chr17-15231056-G-A. GRCh37 (hg19) VCF-style: chr17-15134373-G-A.
Other names: c.344C>T, p.Ala115Val (NM_001281455.2, NM_001281456.2, NM_153321.3 and 1 more transcripts); short protein forms A115V.
Identifiers: ClinVar variation 888945 (VCV000888945.10), dbSNP rs148822354, ClinGen allele CA288864493.

ClinVar aggregate classification (germline): Uncertain significance. Review status: criteria provided, multiple submitters, no conflicts (2 of 4 stars). 3 submissions from 2 submitters: Uncertain significance (3). Last evaluated 2024-01-22.

Conditions:
Charcot-Marie-Tooth disease, type I (CMT1). Also called: Charcot-Marie-Tooth, Type 1; Charcot-Marie-Tooth disease type 1. Identifiers: Orphanet 65753, MedGen C0751036, MONDO:0019011.
Hereditary liability to pressure palsies (HNPP). Also called: POLYNEUROPATHY, FAMILIAL RECURRENT; TOMACULOUS NEUROPATHY; Hereditary Neuropathy with Liability to Pressure Palsies. Identifiers: Orphanet 640, MedGen C0393814, MONDO:0008087, OMIM 162500.

Allele frequency attached by ClinVar (database versions not stated): gnomAD 0.00001; gnomAD exomes 0.00001; TOPMed 0.00001; ESP Exome Variant Server 0.00008.
gnomAD v4.1: 11 of 1,613,302 alleles (0.00068%); highest among the groups gnomAD compares: African/African-American, 0.0013%; no homozygotes.

Submissions (3):

Labcorp Genetics (formerly Invitae), Labcorp
Classification: Uncertain significance for Charcot-Marie-Tooth disease, type I. Last evaluated: 2024-01-22. Review status: criteria provided, single submitter. Criteria: Invitae Variant Classification Sherloc (09022015). Collection method: clinical testing. Allele origin: germline.
Comment: This sequence change replaces alanine, which is neutral and non-polar, with valine, which is neutral and non-polar, at codon 115 of the PMP22 protein (p.Ala115Val). This variant is not present in population databases (gnomAD no frequency). This variant has not been reported in the literature in individuals affected with PMP22-related conditions. ClinVar contains an entry for this variant (Variation ID: 888945). Advanced modeling of protein sequence and biophysical properties (such as structural, functional, and spatial information, amino acid conservation, physicochemical variation, residue mobility, and thermodynamic stability) performed at Invitae indicates that this missense variant is not expected to disrupt PMP22 protein function with a negative predictive value of 95%. In summary, the available evidence is currently insufficient to determine the role of this variant in disease. Therefore, it has been classified as a Variant of Uncertain Significance.

Illumina Laboratory Services, Illumina
Classification: Uncertain significance for Charcot-Marie-Tooth disease, type I. Last evaluated: 2018-01-13. Review status: criteria provided, single submitter. Criteria: ICSL Variant Classification Criteria 13 December 2019. Collection method: clinical testing. Allele origin: germline.

Illumina Laboratory Services, Illumina
Classification: Uncertain significance for Hereditary liability to pressure palsies. Last evaluated: 2018-01-13. Review status: criteria provided, single submitter. Criteria: ICSL Variant Classification Criteria 13 December 2019. Collection method: clinical testing. Allele origin: germline.